The following is an entry in ClinVar:

NM_005609.4(PYGM):c.424+17G>A

Gene: PYGM (glycogen phosphorylase, muscle associated; minus strand). Cytogenetic location: 11q13.1.
Variant type: single nucleotide variant.
Coding change: c.424+17G>A on transcript NM_005609.4 (MANE Select); 17 bases into the intron after coding-DNA position 424, G replaced by A.
Molecular consequence: intron variant.
Genome position (GRCh38, 1-based): chr11:64,758,420, C>T on the plus strand (G>A on the coding strand, the complement: PYGM is on the minus strand). VCF-style: chr11-64758420-C-T. GRCh37 (hg19) VCF-style: chr11-64525892-C-T.
Other names: c.244-154G>A (NM_001164716.1).
Identifiers: ClinVar variation 384280 (VCV000384280.10), dbSNP rs202244109, ClinGen allele CA6080258.

ClinVar aggregate classification (germline): Benign/Likely benign. Review status: criteria provided, multiple submitters, no conflicts (2 of 4 stars). 3 submissions from 3 submitters: Benign (1); Likely benign (2). Last evaluated 2026-01-18.

Conditions:
Glycogen storage disease, type V (GSD5). Also called: McArdle type glycogen storage disease; MCARDLE DISEASE; MUSCLE GLYCOGEN PHOSPHORYLASE DEFICIENCY; MYOPHOSPHORYLASE DEFICIENCY; PYGM DEFICIENCY. Identifiers: Orphanet 368, MedGen C0017924, MONDO:0009293, OMIM 232600.

Allele frequency attached by ClinVar (database versions not stated): gnomAD exomes 0.00013 and 0.00034; ExAC 0.00044; 1000 Genomes Project 30x 0.00078; 1000 Genomes Project 0.00080; ESP Exome Variant Server 0.00085; TOPMed 0.00135; gnomAD 0.00140 and 0.00145.
gnomAD v4.1: 410 of 1,613,498 alleles (0.025%); highest among the groups gnomAD compares: African/African-American, 0.45%; 3 homozygotes.

Submissions (3):

Labcorp Genetics (formerly Invitae), Labcorp
Classification: Benign for Glycogen storage disease, type V. Last evaluated: 2026-01-18. Review status: criteria provided, single submitter. Criteria: Invitae Variant Classification Sherloc (09022015). Collection method: clinical testing. Allele origin: germline.

Blueprint Genetics
Classification: Likely benign. Last evaluated: 2024-11-26. Review status: criteria provided, single submitter. Criteria: ACMG Guidelines, 2015. Collection method: clinical testing. Allele origin: germline.

GeneDx
Classification: Likely benign. Last evaluated: 2016-12-02. Review status: criteria provided, single submitter. Criteria: GeneDx Variant Classification (06012015). Collection method: clinical testing. Allele origin: germline. Affected: yes.
Comment: This variant is considered likely benign or benign based on one or more of the following criteria: it is a conservative change, it occurs at a poorly conserved position in the protein, it is predicted to be benign by multiple in silico algorithms, and/or has population frequency not consistent with disease.